The following is an entry in ClinVar:

NC_000015.10:g.(?_38253180)_(38351670_?)del

Genes: SPRED1 (sprouty related EVH1 domain containing 1; plus strand), LOC129390685 (MPRA-validated peak2297 silencer; plus strand). Cytogenetic location: 15q14.
Variant type: Deletion.
Identifiers: ClinVar variation 584323 (VCV000584323.1).

ClinVar aggregate classification (germline): Pathogenic (1 of 4 stars; one submission).

Conditions:
Legius syndrome. Identifiers: Orphanet 137605, MedGen C1969623, MONDO:0012669, OMIM 611431. Disease mechanism: loss of function.

Submission:

Labcorp Genetics (formerly Invitae), Labcorp
Classification: Pathogenic for Legius syndrome. Last evaluated: 2018-03-15. Review status: criteria provided, single submitter. Criteria: Invitae Variant Classification Sherloc (09022015). Collection method: clinical testing. Allele origin: germline.
Comment: A gross deletion of the genomic region encompassing the full coding sequence of the SPRED1 gene has been identified. The boundaries of this event are unknown as the deletion extends beyond the assayed region for this gene and therefore may encompass additional genes. Whole gene deletions have been reported in individuals affected with Legius syndrome (PMID: 22753041, 21548021). Loss-of-function variants in SPRED1 are known to be pathogenic (PMID: 17704776). For these reasons, this variant has been classified as Pathogenic.

Literature cited by the submitters: PubMed 22753041; PubMed 21548021.